The following is an entry in ClinVar:

NM_016507.4(CDK12):c.2882C>A (p.Pro961His)

Gene: CDK12 (cyclin dependent kinase 12; plus strand). Cytogenetic location: 17q12.
Variant type: single nucleotide variant.
Coding change: c.2882C>A on transcript NM_016507.4 (MANE Select); coding-DNA position 2882, C replaced by A.
Protein change: p.Pro961His; replaces proline 961 with histidine.
Molecular consequence: missense variant.
Genome position (GRCh38, 1-based): chr17:39,517,475, C>A. VCF-style: chr17-39517475-C-A. GRCh37 (hg19) VCF-style: chr17-37673728-C-A.
Other names: c.2882C>A, p.Pro961His (NM_015083.4); short protein forms P961H.
Identifiers: ClinVar variation 5034170 (VCV005034170.1).
Genomic context (GRCh38, chr17:39,517,475, plus strand): 5'-GTTCTTGCTTTTGCTTTGTTTTCAGCCGACTTTGTGGTAGCCCTTGTCCAGCTGTGTGGC[C>A]TGATGTTATCAAACTGCCCTACTTCAACACCATGAAACCGAAGAAGCAATATCGAAGGCG-3'
Protein context (NP_057591.2, residues 951-971): LCGSPCPAVW[Pro961His]DVIKLPYFNT

ClinVar aggregate classification (germline): Uncertain significance (1 of 4 stars; one submission).

Submission:

Ambry Genetics
Classification: Uncertain significance. Last evaluated: 2026-08-26. Review status: criteria provided, single submitter. Criteria: Ambry Variant Classification Scheme 2023. Collection method: clinical testing. Allele origin: germline.
Comment: The p.P961H variant (also known as c.2882C>A), located in coding exon 10 of the CDK12 gene, results from a C to A substitution at nucleotide position 2882. The proline at codon 961 is replaced by histidine, an amino acid with similar properties. This amino acid position is conserved. In addition, the in silico prediction for this alteration is inconclusive. Based on the available evidence, the clinical significance of this variant remains unclear.